The following is an entry in ClinVar:

ClinVar aggregate classification (germline): Uncertain significance (1 of 4 stars; one submission).

Conditions:
Inborn genetic diseases. Identifiers: MedGen C0950123, MeSH D030342.

Allele frequency attached by ClinVar (database versions not stated): ExAC 0.00001.
gnomAD v4.1: 6 of 1,613,982 alleles (0.00037%); highest among the groups gnomAD compares: Non-Finnish European, 0.00034%; no homozygotes.

Submission:

Ambry Genetics
Classification: Uncertain significance for Inborn genetic diseases. Last evaluated: 2021-05-11. Review status: criteria provided, single submitter. Criteria: Ambry Variant Classification Scheme 2023. Collection method: clinical testing. Allele origin: germline.
Comment: The p.I5090F variant (also known as c.15268A>T), located in coding exon 85 of the DST gene, results from an A to T substitution at nucleotide position 15268. The isoleucine at codon 5090 is replaced by phenylalanine, an amino acid with highly similar properties. This amino acid position is highly conserved in available vertebrate species. In addition, the in silico prediction for this alteration is inconclusive. Since supporting evidence is limited at this time, the clinical significance of this alteration remains unclear.

NM_001374736.1(DST):c.21625A>T (p.Ile7209Phe)

Gene: DST (dystonin; minus strand). Cytogenetic location: 6p12.1.
Variant type: single nucleotide variant.
Coding change: c.21625A>T on transcript NM_001374736.1 (MANE Select); coding-DNA position 21625, A replaced by T.
Protein change: p.Ile7209Phe; replaces isoleucine 7209 with phenylalanine.
Molecular consequence: missense variant.
Genome position (GRCh38, 1-based): chr6:56,477,395, T>A on the plus strand (A>T on the coding strand, the complement: DST is on the minus strand). VCF-style: chr6-56477395-T-A. GRCh37 (hg19) VCF-style: chr6-56342193-T-A.
Other names: c.15268A>T, p.Ile5090Phe (NM_001144769.5); c.14854A>T, p.Ile4952Phe (NM_001144770.2); c.21625A>T, p.Ile7209Phe (NM_001374722.1); c.20665A>T, p.Ile6889Phe (NM_001374729.1); c.14407A>T, p.Ile4803Phe (NM_001374730.1); c.21652A>T, p.Ile7218Phe (NM_001374734.1); c.14734A>T, p.Ile4912Phe (NM_001386100.1, NM_183380.4); c.13756A>T, p.Ile4586Phe (NM_015548.5); short protein forms I4952F, I7218F, I4586F, I5090F, I4803F, I6889F, I4912F, I7209F.
Identifiers: ClinVar variation 1774523 (VCV001774523.2), dbSNP rs781396969, ClinGen allele CA3866425.